The following is an entry in ClinVar:

NM_001250.6(CD40):c.734C>G (p.Ser245Cys)

Gene: CD40 (CD40 molecule; plus strand). Cytogenetic location: 20q13.12.
Variant type: single nucleotide variant.
Coding change: c.734C>G on transcript NM_001250.6 (MANE Select); coding-DNA position 734, C replaced by G.
Protein change: p.Ser245Cys; replaces serine 245 with cysteine.
Molecular consequence: missense variant. On other transcripts: 3 prime UTR variant (3), non-coding transcript variant (2).
Genome position (GRCh38, 1-based): chr20:46,128,940, C>G. VCF-style: chr20-46128940-C-G. GRCh37 (hg19) VCF-style: chr20-44757579-C-G.
Other names: c.*60C>G (NM_001302753.2, NM_001362758.2, NM_152854.4); c.746C>G, p.Ser249Cys (NM_001322421.2); c.578C>G, p.Ser193Cys (NM_001322422.2); short protein forms S193C, S249C, S245C.
Identifiers: ClinVar variation 1955501 (VCV001955501.3), dbSNP rs903736094, ClinGen allele CA409211850.

ClinVar aggregate classification (germline): Uncertain significance. Review status: criteria provided, multiple submitters, no conflicts (2 of 4 stars). 2 submissions from 2 submitters: Uncertain significance (2). Last evaluated 2022-06-07.

Conditions:
Inborn genetic diseases. Identifiers: MedGen C0950123, MeSH D030342.

Allele frequency attached by ClinVar (database versions not stated): gnomAD 0.00001.
gnomAD v4.1: 9 of 1,614,092 alleles (0.00056%); highest among the groups gnomAD compares: African/African-American, 0.0013%; no homozygotes.

Submissions (2):

Labcorp Genetics (formerly Invitae), Labcorp
Classification: Uncertain significance. Last evaluated: 2022-06-07. Review status: criteria provided, single submitter. Criteria: Invitae Variant Classification Sherloc (09022015). Collection method: clinical testing. Allele origin: germline.
Comment: This sequence change replaces serine, which is neutral and polar, with cysteine, which is neutral and slightly polar, at codon 245 of the CD40 protein (p.Ser245Cys). This variant is not present in population databases (gnomAD no frequency). This variant has not been reported in the literature in individuals affected with CD40-related conditions. Algorithms developed to predict the effect of missense changes on protein structure and function (SIFT, PolyPhen-2, Align-GVGD) all suggest that this variant is likely to be tolerated. In summary, the available evidence is currently insufficient to determine the role of this variant in disease. Therefore, it has been classified as a Variant of Uncertain Significance.

Ambry Genetics
Classification: Uncertain significance for Inborn genetic diseases. Last evaluated: 2021-10-29. Review status: criteria provided, single submitter. Criteria: Ambry Variant Classification Scheme 2023. Collection method: clinical testing. Allele origin: germline.